The following is an entry in ClinVar:

ClinVar aggregate classification (germline): Conflicting classifications of pathogenicity. Review status: criteria provided, conflicting classifications (1 of 4 stars). 3 submissions from 3 submitters: Uncertain significance (1); Likely benign (1). 1 of the submissions does not count toward it. Last evaluated 2026-01-11.

Conditions:
Hereditary cancer-predisposing syndrome. Also called: Neoplastic Syndromes, Hereditary; Hereditary neoplastic syndrome; Hereditary Cancer Syndrome; Tumor predisposition. Identifiers: Orphanet 140162, MedGen C0027672, MeSH D009386, MONDO:0015356.
POLD1-related polyposis and colorectal cancer syndrome (CRCS10). Also called: Colorectal cancer, susceptibility to, 10; Colorectal cancer 10; COLORECTAL CANCER, SUSCEPTIBILITY TO, ON CHROMOSOME 19q. Identifiers: Orphanet 220460, MedGen C2675481, MONDO:0012953, OMIM 612591.

Submissions (3):

Labcorp Genetics (formerly Invitae), Labcorp
Classification: Uncertain significance for POLD1-related polyposis and colorectal cancer syndrome. Last evaluated: 2026-01-11. Review status: criteria provided, single submitter. Criteria: Invitae Variant Classification Sherloc (09022015). Collection method: clinical testing. Allele origin: germline.
Comment: This sequence change replaces arginine, which is basic and polar, with leucine, which is neutral and non-polar, at codon 823 of the POLD1 protein (p.Arg823Leu). This variant is not present in population databases (gnomAD no frequency). This variant has not been reported in the literature in individuals affected with POLD1-related conditions. ClinVar contains an entry for this variant (Variation ID: 407999). Invitae Evidence Modeling of protein sequence and biophysical properties (such as structural, functional, and spatial information, amino acid conservation, physicochemical variation, residue mobility, and thermodynamic stability) indicates that this missense variant is not expected to disrupt POLD1 protein function with a negative predictive value of 80%. In summary, the available evidence is currently insufficient to determine the role of this variant in disease. Therefore, it has been classified as a Variant of Uncertain Significance.

Ambry Genetics
Classification: Likely benign for Hereditary cancer-predisposing syndrome. Last evaluated: 2025-03-14. Review status: criteria provided, single submitter. Criteria: Ambry Variant Classification Scheme 2023. Collection method: clinical testing. Allele origin: germline.

True Health Diagnostics
Classification: Uncertain significance for Hereditary cancer-predisposing syndrome. Last evaluated: 2018-09-06. Review status: no assertion criteria provided. Collection method: clinical testing. Allele origin: germline. Not counted in ClinVar's aggregate classification.

NM_002691.4(POLD1):c.2468G>T (p.Arg823Leu)

Gene: POLD1 (DNA polymerase delta 1, catalytic subunit; plus strand). Cytogenetic location: 19q13.33.
Variant type: single nucleotide variant.
Coding change: c.2468G>T on transcript NM_002691.4 (MANE Select); coding-DNA position 2468, G replaced by T.
Protein change: p.Arg823Leu; replaces arginine 823 with leucine.
Molecular consequence: missense variant. On other transcripts: non-coding transcript variant (1).
Genome position (GRCh38, 1-based): chr19:50,414,894, G>T. VCF-style: chr19-50414894-G-T. GRCh37 (hg19) VCF-style: chr19-50918151-G-T.
Other names: c.2468G>T, p.Arg823Leu (NM_001256849.1); c.2546G>T, p.Arg849Leu (NM_001308632.1); c.2468G>T (NM_002691.2); short protein forms R849L, R823L.
Identifiers: ClinVar variation 407999 (VCV000407999.10), dbSNP rs771734704, ClinGen allele CA16616166.
Genomic context (GRCh38, chr19:50,414,894, plus strand): 5'-TTATCAGCAAGAAGCGCTACGCGGGCCTGCTCTTCTCCTCCCGGCCCGACGCCCACGACC[G>T]CATGGACTGCAAGGGCCTGGAGGCCGTGCGCAGGGACAACTGCCCCCTCGTGGCCAACCT-3'
Protein context (NP_002682.2, residues 813-833): LFSSRPDAHD[Arg823Leu]MDCKGLEAVR